The following is an entry in ClinVar:

ClinVar aggregate classification (germline): Uncertain significance. Review status: criteria provided, multiple submitters, no conflicts (2 of 4 stars). 4 submissions from 4 submitters: Uncertain significance (4). Last evaluated 2025-08-19.

Conditions:
RYR1-related disorder. Also called: RYR1-related disorders; RYR1-related condition. Identifiers: MedGen CN239331.
Malignant hyperthermia, susceptibility to, 1 (MHS1). Also called: RYR1-Related Malignant Hyperthermia Susceptibility; Anesthesia related hyperthermia; Malignant hyperpyrexia; Fulminating hyperpyrexia; Pharmacogenic myopathy; Malignant hyperthermia suceptibility 1. Identifiers: Orphanet 423, MedGen C2930980, MONDO:0007783, OMIM 145600.

Allele frequency attached by ClinVar (database versions not stated): gnomAD exomes 0.00002; ExAC 0.00003; gnomAD 0.00005; TOPMed 0.00005.
gnomAD v4.1: 38 of 1,613,952 alleles (0.0024%); highest among the groups gnomAD compares: African/African-American, 0.004%; no homozygotes.

Submissions (4):

Color Diagnostics, LLC DBA Color Health
Classification: Uncertain significance for Malignant hyperthermia, susceptibility to, 1. Last evaluated: 2025-08-19. Review status: criteria provided, single submitter. Criteria: ACMG Guidelines, 2015. Collection method: clinical testing. Allele origin: germline.
Comment: This missense variant replaces arginine with histidine at codon 1140 of the RYR1 protein. Computational prediction suggests that this variant may not impact protein structure and function. To our knowledge, functional studies have not been reported for this variant. This variant has not been reported in individuals affected with RYR1-related disorders in the literature. This variant has been identified in 6/282830 chromosomes in the general population by the Genome Aggregation Database (gnomAD). The available evidence is insufficient to determine the role of this variant in disease conclusively. Therefore, this variant is classified as a Variant of Uncertain Significance.

Labcorp Genetics (formerly Invitae), Labcorp
Classification: Uncertain significance for RYR1-related disorder. Last evaluated: 2024-10-18. Review status: criteria provided, single submitter. Criteria: Invitae Variant Classification Sherloc (09022015). Collection method: clinical testing. Allele origin: germline.
Comment: This sequence change replaces arginine, which is basic and polar, with histidine, which is basic and polar, at codon 1140 of the RYR1 protein (p.Arg1140His). This variant is present in population databases (rs748318655, gnomAD 0.006%). This variant has not been reported in the literature in individuals affected with RYR1-related conditions. ClinVar contains an entry for this variant (Variation ID: 1970027). Invitae Evidence Modeling of protein sequence and biophysical properties (such as structural, functional, and spatial information, amino acid conservation, physicochemical variation, residue mobility, and thermodynamic stability) indicates that this missense variant is not expected to disrupt RYR1 protein function with a negative predictive value of 95%. In summary, the available evidence is currently insufficient to determine the role of this variant in disease. Therefore, it has been classified as a Variant of Uncertain Significance.

All of Us Research Program, National Institutes of Health
Classification: Uncertain significance for Malignant hyperthermia, susceptibility to, 1. Last evaluated: 2023-11-20. Review status: criteria provided, single submitter. Criteria: ACMG Guidelines, 2015. Collection method: clinical testing. Allele origin: germline. Inheritance: Autosomal dominant inheritance. Observed: 5 variant alleles, 5 heterozygotes.
Comment: This missense variant replaces arginine with histidine at codon 1140 of the RYR1 protein. Computational prediction suggests that this variant may not impact protein structure and function (internally defined REVEL score threshold <= 0.5, PMID: 27666373). To our knowledge, functional studies have not been reported for this variant. This variant has not been reported in individuals affected with RYR1-related disorders in the literature. This variant has been identified in 6/282830 chromosomes in the general population by the Genome Aggregation Database (gnomAD). The available evidence is insufficient to determine the role of this variant in disease conclusively. Therefore, this variant is classified as a Variant of Uncertain Significance.

This study involves interpretation of variants in research participants for the purpose of population health screening. Participant phenotype was not available at the time of variant classification. Additional details can be found in publication PMID: 35346344, PMCID: PMC8962531

Revvity Omics, Revvity
Classification: Uncertain significance. Last evaluated: 2019-03-21. Review status: criteria provided, single submitter. Criteria: ACMG Guidelines, 2015. Collection method: clinical testing. Allele origin: germline.

NM_000540.3(RYR1):c.3419G>A (p.Arg1140His)

Gene: RYR1 (ryanodine receptor 1; plus strand). Cytogenetic location: 19q13.2.
Variant type: single nucleotide variant.
Coding change: c.3419G>A on transcript NM_000540.3 (MANE Select); coding-DNA position 3419, G replaced by A.
Protein change: p.Arg1140His; replaces arginine 1140 with histidine.
Molecular consequence: missense variant.
Genome position (GRCh38, 1-based): chr19:38,469,003, G>A. VCF-style: chr19-38469003-G-A. GRCh37 (hg19) VCF-style: chr19-38959643-G-A.
Other names: c.3419G>A, p.Arg1140His (NM_001042723.2); short protein forms R1140H.
Identifiers: ClinVar variation 1970027 (VCV001970027.9), dbSNP rs748318655, ClinGen allele CA064818.
Genomic context (GRCh38, chr19:38,469,003, plus strand): 5'-GTCTTCTCTGGCTGTCCTCACAGGGCCAGCGCTGGCACTTGGGCAGTGAACCATTTGGGC[G>A]CCCCTGGCAGCCGGGCGATGTCGTTGGCTGTATGATCGACCTCACAGAGAACACCATTAT-3'
Protein context (NP_000531.2, residues 1130-1150): RWHLGSEPFG[Arg1140His]PWQPGDVVGC